The following is an entry in ClinVar:

ClinVar aggregate classification (germline): Benign (0 of 4 stars; one submission).

Conditions:
PRRC2A-related disorder. Also called: PRRC2A-related condition.

Allele frequency attached by ClinVar (database versions not stated): ESP Exome Variant Server 0.72266; TOPMed 0.73863; gnomAD 0.74441; gnomAD exomes 0.74872; ExAC 0.78928; 1000 Genomes Project 30x 0.81027; 1000 Genomes Project 0.81530.
gnomAD v4.1: 1,207,786 of 1,612,872 alleles (75%); highest among the groups gnomAD compares: East Asian, 98%; 455,807 homozygotes.

Submission:

PreventionGenetics, part of Exact Sciences
Classification: Benign for PRRC2A-related condition. Last evaluated: 2019-10-17. Review status: no assertion criteria provided. Collection method: clinical testing. Allele origin: germline.
Comment: This variant is classified as benign based on ACMG/AMP sequence variant interpretation guidelines (Richards et al. 2015 PMID: 25741868, with internal and published modifications).

NM_004638.4(PRRC2A):c.4508T>C (p.Leu1503Pro)

Gene: PRRC2A (proline rich coiled-coil 2A; plus strand). Cytogenetic location: 6p21.33.
Variant type: single nucleotide variant.
Coding change: c.4508T>C on transcript NM_004638.4 (MANE Select); coding-DNA position 4508, T replaced by C.
Protein change: p.Leu1503Pro; replaces leucine 1503 with proline.
Molecular consequence: missense variant.
Genome position (GRCh38, 1-based): chr6:31,633,567, T>C. VCF-style: chr6-31633567-T-C. GRCh37 (hg19) VCF-style: chr6-31601344-T-C.
Other names: c.4508T>C, p.Leu1503Pro (NM_080686.3); short protein forms L1503P.
Identifiers: ClinVar variation 3060072 (VCV003060072.2), dbSNP rs2272593, ClinGen allele CA3716222.